The following is an entry in ClinVar:

ClinVar aggregate classification (germline): Uncertain significance. Review status: criteria provided, multiple submitters, no conflicts (2 of 4 stars). 4 submissions from 4 submitters: Uncertain significance (4). Last evaluated 2026-06-24.

Conditions:
Ciliary dyskinesia, primary, 40. Also called: CILIARY DYSKINESIA, PRIMARY, 40, WITH OR WITHOUT SITUS INVERSUS. Identifiers: MedGen C4749028, MONDO:0032664, OMIM 618300.
DNAH9-related disorder. Also called: DNAH9-related condition.
Inborn genetic diseases. Identifiers: MedGen C0950123, MeSH D030342.

Allele frequency attached by ClinVar (database versions not stated): ESP Exome Variant Server 0.00008; 1000 Genomes Project 30x 0.00016; 1000 Genomes Project 0.00020.
gnomAD v4.1: 74 of 1,613,702 alleles (0.0046%); highest among the groups gnomAD compares: East Asian, 0.051%; no homozygotes.

Submissions (4):

PreventionGenetics, part of Exact Sciences
Classification: Uncertain significance for DNAH9-related condition. Last evaluated: 2026-06-24. Review status: criteria provided, single submitter. Criteria: ACMG Guidelines, 2015. Collection method: clinical testing. Allele origin: germline.
Comment: The DNAH9 c.2584G>T variant is predicted to result in the amino acid substitution p.Ala862Ser. To our knowledge, this variant has not been reported in the literature. This variant is reported in 0.090% of alleles in individuals of East Asian descent in gnomAD, which may be too frequent to be a primary cause of disease. Although we suspect that this variant may be benign, at this time, the clinical significance of this variant is uncertain due to the absence of conclusive functional and genetic evidence.

Labcorp Genetics (formerly Invitae), Labcorp
Classification: Uncertain significance. Last evaluated: 2025-01-23. Review status: criteria provided, single submitter. Criteria: Invitae Variant Classification Sherloc (09022015). Collection method: clinical testing. Allele origin: germline.
Comment: This sequence change replaces alanine, which is neutral and non-polar, with serine, which is neutral and polar, at codon 862 of the DNAH9 protein (p.Ala862Ser). This variant is present in population databases (rs191974505, gnomAD 0.1%). This variant has not been reported in the literature in individuals affected with DNAH9-related conditions. ClinVar contains an entry for this variant (Variation ID: 1355800). Invitae Evidence Modeling of protein sequence and biophysical properties (such as structural, functional, and spatial information, amino acid conservation, physicochemical variation, residue mobility, and thermodynamic stability) indicates that this missense variant is not expected to disrupt DNAH9 protein function with a negative predictive value of 80%. In summary, the available evidence is currently insufficient to determine the role of this variant in disease. Therefore, it has been classified as a Variant of Uncertain Significance.

Ambry Genetics
Classification: Uncertain significance for Inborn genetic diseases. Last evaluated: 2024-11-26. Review status: criteria provided, single submitter. Criteria: Ambry Variant Classification Scheme 2023. Collection method: clinical testing. Allele origin: germline.

3billion
Classification: Uncertain significance for Ciliary dyskinesia, primary, 40. Last evaluated: 2022-03-22. Review status: criteria provided, single submitter. Criteria: ACMG Guidelines, 2015. Collection method: clinical testing. Allele origin: germline. Affected: yes. Observed: 1 heterozygote.
Comment: The variant is observed at an extremely low frequency in the gnomAD v2.1.1 dataset (total allele frequency: 0.0001192). Therefore, this variant is classified as uncertain significance according to the recommendation of ACMG/AMP guideline.

NM_001372.4(DNAH9):c.2584G>T (p.Ala862Ser)

Gene: DNAH9 (dynein axonemal heavy chain 9; plus strand). Cytogenetic location: 17p12.
Variant type: single nucleotide variant.
Coding change: c.2584G>T on transcript NM_001372.4 (MANE Select); coding-DNA position 2584, G replaced by T.
Protein change: p.Ala862Ser; replaces alanine 862 with serine.
Molecular consequence: missense variant.
Genome position (GRCh38, 1-based): chr17:11,652,991, G>T. VCF-style: chr17-11652991-G-T. GRCh37 (hg19) VCF-style: chr17-11556308-G-T.
Other names: c.2584G>T (NM_001372.3); short protein forms A862S.
Identifiers: ClinVar variation 1355800 (VCV001355800.9), dbSNP rs191974505, ClinGen allele CA8395202.